The following is an entry in ClinVar:

NM_012448.4(STAT5B):c.1464T>G (p.Phe488Leu)

Gene: STAT5B (signal transducer and activator of transcription 5B; minus strand). Cytogenetic location: 17q21.2.
Variant type: single nucleotide variant.
Coding change: c.1464T>G on transcript NM_012448.4 (MANE Select); coding-DNA position 1464, T replaced by G.
Protein change: p.Phe488Leu; replaces phenylalanine 488 with leucine.
Molecular consequence: missense variant.
Genome position (GRCh38, 1-based): chr17:42,216,023, A>C on the plus strand (T>G on the coding strand, the complement: STAT5B is on the minus strand). VCF-style: chr17-42216023-A-C. GRCh37 (hg19) VCF-style: chr17-40368041-A-C.
Other names: short protein forms F488L.
Identifiers: ClinVar variation 2694927 (VCV002694927.3), dbSNP rs1422420302, ClinGen allele CA399580612.

ClinVar aggregate classification (germline): Uncertain significance (1 of 4 stars; one submission).

Conditions:
Growth hormone insensitivity with immune dysregulation 1, autosomal recessive. Also called: GROWTH HORMONE INSENSITIVITY DUE TO POSTRECEPTOR DEFECT; LARON SYNDROME DUE TO POSTRECEPTOR DEFECT; GROWTH HORMONE INSENSITIVITY SYNDROME WITH IMMUNE DYSREGULATION 1, AUTOSOMAL RECESSIVE; Laron syndrome with immunodeficiency. Identifiers: Orphanet 220465, MedGen C5435698, MONDO:0100211, OMIM 245590.

Submission:

Labcorp Genetics (formerly Invitae), Labcorp
Classification: Uncertain significance for Growth hormone insensitivity with immune dysregulation 1, autosomal recessive. Last evaluated: 2023-11-16. Review status: criteria provided, single submitter. Criteria: Invitae Variant Classification Sherloc (09022015). Collection method: clinical testing. Allele origin: germline.
Comment: This sequence change replaces phenylalanine, which is neutral and non-polar, with leucine, which is neutral and non-polar, at codon 488 of the STAT5B protein (p.Phe488Leu). This variant is not present in population databases (gnomAD no frequency). This variant has not been reported in the literature in individuals affected with STAT5B-related conditions. Advanced modeling of protein sequence and biophysical properties (such as structural, functional, and spatial information, amino acid conservation, physicochemical variation, residue mobility, and thermodynamic stability) performed at Invitae indicates that this missense variant is not expected to disrupt STAT5B protein function with a negative predictive value of 80%. In summary, the available evidence is currently insufficient to determine the role of this variant in disease. Therefore, it has been classified as a Variant of Uncertain Significance.